The following is an entry in ClinVar:

NM_004793.4(LONP1):c.318C>T (p.Gly106=)

Genes: LONP1 (lon peptidase 1, mitochondrial; minus strand), LOC130063270 (ATAC-STARR-seq lymphoblastoid silent region 9931; plus strand). Cytogenetic location: 19p13.3.
Variant type: single nucleotide variant.
Coding change: c.318C>T on transcript NM_004793.4 (MANE Select); coding-DNA position 318, C replaced by T.
Protein change: p.Gly106=; no amino-acid change (glycine 106 retained).
Molecular consequence: synonymous variant. On other transcripts: non-coding transcript variant (1), intron variant (1).
Genome position (GRCh38, 1-based): chr19:5,719,815, G>A on the plus strand (C>T on the coding strand, the complement: LONP1 is on the minus strand). VCF-style: chr19-5719815-G-A. GRCh37 (hg19) VCF-style: chr19-5719826-G-A.
Other names: c.126C>T, p.Gly42= (NM_001276479.2); c.-160+404C>T (NM_001276480.1).
Identifiers: ClinVar variation 1437470 (VCV001437470.23), dbSNP rs1400920303, ClinGen allele CA505074695.

ClinVar aggregate classification (germline): Likely benign. Review status: criteria provided, multiple submitters, no conflicts (2 of 4 stars). 2 submissions from 2 submitters: Likely benign (2). Last evaluated 2024-07-01.

Allele frequency attached by ClinVar (database versions not stated): gnomAD exomes below 0.00001 and 0.00001.
gnomAD v4.1: 6 of 1,611,220 alleles (0.00037%); highest among the groups gnomAD compares: South Asian, 0.0055%; no homozygotes.

Submissions (2):

CeGaT Center for Human Genetics Tuebingen
Classification: Likely benign. Last evaluated: 2024-07-01. Review status: criteria provided, single submitter. Criteria: CeGaT Center For Human Genetics Tuebingen Variant Classification Criteria Version 2. Collection method: clinical testing. Allele origin: germline. Affected: yes. Observed: 1 variant allele.
Comment: LONP1: BP4, BP7

Labcorp Genetics (formerly Invitae), Labcorp
Classification: Likely benign. Last evaluated: 2022-07-26. Review status: criteria provided, single submitter. Criteria: Invitae Variant Classification Sherloc (09022015). Collection method: clinical testing. Allele origin: germline.